The following is an entry in ClinVar:

NM_020987.5(ANK3):c.12451+8G>A

Gene: ANK3 (ankyrin 3; minus strand). Cytogenetic location: 10q21.2.
Variant type: single nucleotide variant.
Coding change: c.12451+8G>A on transcript NM_020987.5 (MANE Select); 8 bases into the intron after coding-DNA position 12451, G replaced by A.
Molecular consequence: intron variant.
Genome position (GRCh38, 1-based): chr10:60,064,149, C>T on the plus strand (G>A on the coding strand, the complement: ANK3 is on the minus strand). VCF-style: chr10-60064149-C-T. GRCh37 (hg19) VCF-style: chr10-61823907-C-T.
Other names: c.4594+8G>A (NM_001204403.2); c.4615+8G>A (NM_001204404.2); c.4612+8G>A (NM_001320874.2); c.2014+8G>A (NM_001149.4).
Identifiers: ClinVar variation 726755 (VCV000726755.10), dbSNP rs372849677, ClinGen allele CA5510891.
Genomic context (GRCh38, chr10:60,064,149, plus strand): 5'-CAGTTGGCTTATCTAAAATATTACATTTATGCAGTTTTGAAAGTTAAAATAATATAATTT[C>T]GGCATACTTGTGGCATTTTTTCCGTCTCTGGTAACCCATTTTTTTAATAACATGAAGCTC-3'

ClinVar aggregate classification (germline): Likely benign. Review status: criteria provided, multiple submitters, no conflicts (2 of 4 stars). 3 submissions from 3 submitters: Likely benign (3). Last evaluated 2025-12-10.

Conditions:
ANK3-related disorder. Also called: ANK3-related condition.

Allele frequency attached by ClinVar (database versions not stated): ExAC 0.00003; gnomAD exomes 0.00003; gnomAD 0.00005; TOPMed 0.00005; ESP Exome Variant Server 0.00008.
gnomAD v4.1: 47 of 1,547,978 alleles (0.003%); highest among the groups gnomAD compares: South Asian, 0.013%; no homozygotes.

Submissions (3):

PreventionGenetics, part of Exact Sciences
Classification: Likely benign for ANK3-related condition. Last evaluated: 2025-12-10. Review status: criteria provided, single submitter. Criteria: ACMG Guidelines, 2015. Collection method: clinical testing. Allele origin: germline.
Comment: This variant is classified as likely benign based on ACMG/AMP sequence variant interpretation guidelines (Richards et al. 2015 PMID: 25741868, with internal and published modifications).

Labcorp Genetics (formerly Invitae), Labcorp
Classification: Likely benign. Last evaluated: 2024-11-01. Review status: criteria provided, single submitter. Criteria: Invitae Variant Classification Sherloc (09022015). Collection method: clinical testing. Allele origin: germline.

Blueprint Genetics
Classification: Likely benign. Last evaluated: 2024-08-23. Review status: criteria provided, single submitter. Criteria: ACMG Guidelines, 2015. Collection method: clinical testing. Allele origin: germline.